The following is an entry in ClinVar:

NM_001323289.2(CDKL5):c.242G>A (p.Arg81Gln)

Gene: CDKL5 (cyclin dependent kinase like 5; plus strand). Cytogenetic location: Xp22.13.
Variant type: single nucleotide variant.
Coding change: c.242G>A on transcript NM_001323289.2 (MANE Select); coding-DNA position 242, G replaced by A.
Protein change: p.Arg81Gln; replaces arginine 81 with glutamine.
Molecular consequence: missense variant.
Genome position (GRCh38, 1-based): chrX:18,575,450, G>A. VCF-style: chrX-18575450-G-A. GRCh37 (hg19) VCF-style: chrX-18593570-G-A.
Other names: c.242G>A, p.Arg81Gln (NM_001037343.2, NM_003159.3); short protein forms R81Q.
Identifiers: ClinVar variation 3265534 (VCV003265534.2).

ClinVar aggregate classification (germline): Uncertain significance. Review status: criteria provided, multiple submitters, no conflicts (2 of 4 stars). 2 submissions from 2 submitters: Uncertain significance (2). Last evaluated 2026-06-10.

Conditions:
Inborn genetic diseases. Identifiers: MedGen C0950123, MeSH D030342.

gnomAD v4.1: 5 of 1,209,845 alleles (0.00041%); highest among the groups gnomAD compares: East Asian, 0.003%; no homozygotes.

Submissions (2):

Women's Health and Genetics/Laboratory Corporation of America, LabCorp
Classification: Uncertain significance. Last evaluated: 2026-06-10. Review status: criteria provided, single submitter. Criteria: LabCorp Variant Classification Summary - May 2015. Collection method: clinical testing. Allele origin: germline.
Comment: Variant summary: CDKL5 c.242G>A (p.Arg81Gln) results in a conservative amino acid change in the encoded protein sequence. Algorithms developed to predict the effect of missense changes on protein structure and function are either unavailable or do not agree on the potential impact of this missense change. The variant allele was found at a frequency of 5.5e-06 in 183021 control chromosomes. The available data on variant occurrences in the general population are insufficient to allow any conclusion about variant significance. To our knowledge, no occurrence of c.242G>A in individuals affected with CDKL5-related conditions and no experimental evidence demonstrating its impact on protein function have been reported. ClinVar contains an entry for this variant (Variation ID: 3265534). Based on the evidence outlined above, the variant was classified as uncertain significance.

Ambry Genetics
Classification: Uncertain significance for Inborn genetic diseases. Last evaluated: 2024-04-23. Review status: criteria provided, single submitter. Criteria: Ambry Variant Classification Scheme 2023. Collection method: clinical testing. Allele origin: germline.